The following is an entry in ClinVar:

ClinVar aggregate classification (germline): Pathogenic. Review status: criteria provided, multiple submitters, no conflicts (2 of 4 stars). 11 submissions from 11 submitters: Pathogenic (9). 2 of the submissions do not count toward it. Last evaluated 2026-08-06.

Conditions:
Lamellar ichthyosis. Identifiers: Orphanet 313, MedGen C5848247, MONDO:0017778.
Autosomal recessive congenital ichthyosis 1 (LI1). Also called: COLLODION FETUS; DESQUAMATION OF NEWBORN; ICHTHYOSIS, CONGENITAL, AUTOSOMAL RECESSIVE 1, WITH BATHING SUIT DISTRIBUTION; ICHTHYOSIS, CONGENITAL, AUTOSOMAL RECESSIVE 1, WITH OR WITHOUT BATHING SUIT DISTRIBUTION; ICHTHYOSIS CONGENITA; ICHTHYOSIS CONGENITA II. Identifiers: MedGen C4551630, MONDO:0009441, OMIM 242300.

Allele frequency attached by ClinVar (database versions not stated): TOPMed 0.00005.

Submissions (11):

OLLIN Analises Genomicas, OLLIN
Classification: Pathogenic for Autosomal recessive congenital ichthyosis 1. Last evaluated: 2026-08-06. Review status: criteria provided, single submitter. Criteria: ACMG Guidelines 2015 PMID 25741868. Collection method: clinical testing. Allele origin: germline. Inheritance: Autosomal recessive inheritance.
Comment: This missense variant, located in exon 6 (of 15), has been reported in ClinVar (accession VCV000039531.35), in gnomAD with an allele frequency of 0.0039%, and in the scientific literature, in compound heterozygosity, in individuals with TGM1 related disorders (PMID: 19212342). Functional studies suggest that this variant may affect protein function, and in silico analysis predicts a deleterious effect (PMID: 19212342). Another pathogenic variant affecting the same amino acid residue has been reported. According to the currently available evidence, this variant has been classified as pathogenic (PS3_P, PS4, PM2_P, PM3, PM5, PP3_M).

Labcorp Genetics (formerly Invitae), Labcorp
Classification: Pathogenic. Last evaluated: 2025-11-22. Review status: criteria provided, single submitter. Criteria: Invitae Variant Classification Sherloc (09022015). Collection method: clinical testing. Allele origin: germline.
Comment: This sequence change replaces arginine, which is basic and polar, with histidine, which is basic and polar, at codon 315 of the TGM1 protein (p.Arg315His). This variant is present in population databases (rs143473912, gnomAD 0.009%). This missense change has been observed in individuals with congenital ichthyosis (PMID: 16968736, 23096117, 23278109, 27025581, 28403434). ClinVar contains an entry for this variant (Variation ID: 39530). Invitae Evidence Modeling of protein sequence and biophysical properties (such as structural, functional, and spatial information, amino acid conservation, physicochemical variation, residue mobility, and thermodynamic stability) indicates that this missense variant is expected to disrupt TGM1 protein function with a positive predictive value of 95%. Experimental studies have shown that this missense change affects TGM1 function (PMID: 19212342). This variant disrupts the p.Arg315 amino acid residue in TGM1. Other variant(s) that disrupt this residue have been observed in individuals with TGM1-related conditions (PMID: 10232404, 16968736, 19863506), which suggests that this may be a clinically significant amino acid residue. For these reasons, this variant has been classified as Pathogenic.

Natera, Inc.
Classification: Pathogenic for Autosomal recessive congenital ichthyosis type 1. Last evaluated: 2025-08-29. Review status: criteria provided, single submitter. Criteria: Natera Variant Classification Schema (03/2026). Collection method: clinical testing. Allele origin: germline.
Comment: The c.944G>A variant in TGM1 is a missense variant predicted to cause substitution of arginine to histidine at amino acid 315. This variant is rare in the general population with a frequency below the threshold expected for the associated phenotype(s). This variant has been observed in one or more individuals affected with the associated recessive disease, as either homozygous or compound heterozygous with a second variant (PMID: 22801880, 28403434). Additionally, this variant has been observed to segregate in affected family members (PMID: 22801880). Given the available evidence, this variant is classified as Pathogenic.

Women's Health and Genetics/Laboratory Corporation of America, LabCorp
Classification: Pathogenic for Lamellar ichthyosis. Last evaluated: 2024-07-31. Review status: criteria provided, single submitter. Criteria: LabCorp Variant Classification Summary - May 2015. Collection method: clinical testing. Allele origin: germline.
Comment: Variant summary: TGM1 c.944G>A (p.Arg315His) results in a non-conservative amino acid change in the encoded protein sequence. Five of five in-silico tools predict a damaging effect of the variant on protein function. The variant allele was found at a frequency of 4.9e-05 in 246144 control chromosomes. This frequency is not significantly higher than estimated for a pathogenic variant in TGM1 causing Lamellar Ichthyosis (4.9e-05 vs 0.0021), allowing no conclusion about variant significance. c.944G>A has been reported in the literature in multiple homozygous individuals affected with Lamellar Ichthyosis (Oji_2006, Terrinoni_2012). These data indicate that the variant is very likely to be associated with disease. A different variant affecting the same codon has been classified as pathogenic by our lab (c.943C>T, p.Arg315Cys), supporting the critical relevance of codon 315 to TGM1 protein function. At least one publication reports experimental evidence evaluating an impact on protein function. The most pronounced variant effect results in <10% of normal activity in an in vitro assay (Aufenvenne_2009). The following publications have been ascertained in the context of this evaluation (PMID: 19212342, 16968736, 23096117). ClinVar contains an entry for this variant (Variation ID: 39530). Based on the evidence outlined above, the variant was classified as pathogenic.

Revvity Omics, Revvity
Classification: Pathogenic for Autosomal recessive congenital ichthyosis 1. Last evaluated: 2022-09-07. Review status: criteria provided, single submitter. Criteria: ACMG Guidelines, 2015. Collection method: clinical testing. Allele origin: germline.

GeneDx
Classification: Pathogenic. Last evaluated: 2022-02-14. Review status: criteria provided, single submitter. Criteria: GeneDx Variant Classification Process June 2021. Collection method: clinical testing. Allele origin: germline. Affected: yes.
Comment: Published functional studies demonstrate that the R315H variant is temperature-sensitive and results in decreased transglutaminase 1 enzyme activity, particularly in warmer skin regions (Oji et al., 2006; Aufenvenne et al., 2009); In silico analysis, which includes protein predictors and evolutionary conservation, supports a deleterious effect; This variant is associated with the following publications: (PMID: 23096117, 28236338, 19212342, 27025581, 23278109, 16968736, 27442430, 18948357, 22801880, 19241467, 31168818, 31953843, 31589614)

Fulgent Genetics
Classification: Pathogenic for Autosomal recessive congenital ichthyosis 1. Last evaluated: 2018-10-31. Review status: criteria provided, single submitter. Criteria: ACMG Guidelines, 2015. Collection method: clinical testing. Allele origin: unknown.

Genome-Nilou Lab
Classification: Pathogenic for Autosomal recessive congenital ichthyosis 1. Review status: criteria provided, single submitter. Criteria: ACMG Guidelines, 2015. Collection method: clinical testing. Allele origin: germline.

Neuberg Centre For Genomic Medicine, NCGM
Classification: Pathogenic for Autosomal recessive congenital ichthyosis 1. Review status: criteria provided, single submitter. Criteria: ACMG Guidelines, 2015. Collection method: clinical testing. Allele origin: germline. Inheritance: Autosomal recessive inheritance. Affected: yes.

Counsyl
Classification: Pathogenic for Autosomal recessive congenital ichthyosis 1. Last evaluated: 2017-06-09. Review status: no assertion criteria provided. Collection method: clinical testing. Allele origin: unknown. Not counted in ClinVar's aggregate classification.

OMIM
Classification: Pathogenic for ICHTHYOSIS, CONGENITAL, AUTOSOMAL RECESSIVE 1, WITH BATHING SUIT DISTRIBUTION. Last evaluated: 2009-08-01. Review status: no assertion criteria provided. Collection method: literature only. Allele origin: germline. Not counted in ClinVar's aggregate classification.

Literature cited by the submitters: PubMed 19212342 (cited by 5 submitters); PubMed 16968736 (cited by 4 submitters); PubMed 23096117 (cited by 3 submitters); PubMed 23278109 (cited by Labcorp Genetics (formerly Invitae), Labcorp and Counsyl); PubMed 27025581 (cited by Labcorp Genetics (formerly Invitae), Labcorp and Counsyl); PubMed 28403434 (cited by Labcorp Genetics (formerly Invitae), Labcorp and Natera, Inc.); PubMed 10232404 (cited by Labcorp Genetics (formerly Invitae), Labcorp); PubMed 19863506 (cited by Labcorp Genetics (formerly Invitae), Labcorp); PubMed 22801880 (cited by Natera, Inc. and Counsyl); PubMed 19241467 (cited by Counsyl); PubMed 18948357 (cited by Counsyl); PubMed 27442430 (cited by Counsyl).

NM_000359.3(TGM1):c.944G>A (p.Arg315His)

Gene: TGM1 (transglutaminase 1; minus strand). Cytogenetic location: 14q12.
Variant type: single nucleotide variant.
Coding change: c.944G>A on transcript NM_000359.3 (MANE Select); coding-DNA position 944, G replaced by A.
Protein change: p.Arg315His; replaces arginine 315 with histidine.
Molecular consequence: missense variant.
Genome position (GRCh38, 1-based): chr14:24,259,744, C>T on the plus strand (G>A on the coding strand, the complement: TGM1 is on the minus strand). VCF-style: chr14-24259744-C-T. GRCh37 (hg19) VCF-style: chr14-24728950-C-T.
Other names: short protein forms R315H.
Identifiers: ClinVar variation 39530 (VCV000039530.29), dbSNP rs143473912, ClinGen allele CA261152.